The following is an entry in ClinVar:

ClinVar aggregate classification (germline): Benign. Review status: reviewed by expert panel (3 of 4 stars). 3 submissions from 3 submitters: Benign (1). 2 of the submissions do not count toward it. Last evaluated 2025-09-05.

Conditions:
RPGR-related disorder. Also called: RPGR-related condition.
RPGR-related retinopathy. Also called: RPGR retinopathy. Identifiers: MedGen CN305589, MONDO:0100437.

Submissions (3):

ClinGen X-linked Inherited Retinal Disease Variant Curation Expert Panel, ClinGen
Classification: Benign for RPGR-related retinopathy. Last evaluated: 2025-09-05. Review status: reviewed by expert panel. Criteria: ClinGen X LinkedIRD ACMG Specifications RPGR V1.0.0. Collection method: curation. Allele origin: germline. Inheritance: X-linked inheritance.
Comment: NM_001034853.2(RPGR):c.2847_2852del (p.Glu951_Glu952del) is a short in-frame deletion of 6 base pairs that encode amino acids 951 and 952, located within a low-complexity region (PMID: 27162334) that extends approximately from amino acids 787–1043 in RPGR (BP3). This variant is present in gnomAD v4.1.0 at a frequency of 0.00006948 among hemizygous individuals, with 8 variant alleles / 115,145 total hemizygous alleles, which is higher than the ClinGen X-linked IRD VCEP BA1 threshold of >0.00005 (BA1). In summary, this variant is classified as benign for RPGR-related retinopathy based on the ClinGen X-linked Inherited Retinal Disease Expert Panel Specifications to the ACMG/AMP Variant Interpretation Guidelines for RPGR Version 1.0.0; BA1 and BP3

PreventionGenetics, part of Exact Sciences
Classification: Likely benign for RPGR-related condition. Last evaluated: 2025-11-07. Review status: criteria provided, single submitter. Criteria: ACMG Guidelines, 2015. Collection method: clinical testing. Allele origin: germline. Not counted in ClinVar's aggregate classification.
Comment: This variant is classified as likely benign based on ACMG/AMP sequence variant interpretation guidelines (Richards et al. 2015 PMID: 25741868, with internal and published modifications).

CeGaT Center for Human Genetics Tuebingen
Classification: Likely benign. Last evaluated: 2022-12-01. Review status: criteria provided, single submitter. Criteria: CeGaT Center For Human Genetics Tuebingen Variant Classification Criteria Version 2. Collection method: clinical testing. Allele origin: germline. Affected: yes. Observed: 1 variant allele. Not counted in ClinVar's aggregate classification.
Comment: RPGR: BS2

NM_001034853.2(RPGR):c.2847_2852del (p.Glu951_Glu952del)

Gene: RPGR (retinitis pigmentosa GTPase regulator; minus strand). Cytogenetic location: Xp11.4.
Variant type: Deletion.
Coding change: c.2847_2852del on transcript NM_001034853.2 (MANE Select); coding-DNA positions 2847 to 2852, 6 bases deleted (AGAGGA; older notation c.2847_2852delAGAGGA).
Protein change: p.Glu951_Glu952del.
Molecular consequence: inframe deletion. On other transcripts: intron variant (8).
Genome position (GRCh38, 1-based): chrX:38,286,147-38,286,152, TCCTCT deleted on the plus strand (AGAGGA on the coding strand, the reverse complement: RPGR is on the minus strand); deleting any 6 consecutive bases within chrX:38,286,147-38,286,155 gives the same sequence; the c. name uses the placement nearest the transcript's 3' end. VCF-style (leftmost placement, unchanged base first): chrX-38286146-CTCCTCT-C. GRCh37 (hg19) VCF-style: chrX-38145399-CTCCTCT-C.
Other names: NM_001034853.2(RPGR):c.2847_2852del; p.Glu951_Glu952del; c.2847_2852del6 (NM_001034853.1); c.1569+4807_1569+4812del (NM_001367249.1, NM_001367250.1); c.1902+942_1902+947del (NM_001367245.1); c.1386+4807_1386+4812del (NM_001367251.1); c.1719+942_1719+947del (NM_001367246.1); c.1572+4807_1572+4812del (NM_001367247.1); and 2 more.
Identifiers: ClinVar variation 2660292 (VCV002660292.26), dbSNP rs751757697, ClinGen allele CA327915386.